The following is an entry in ClinVar:

ClinVar aggregate classification (germline): Pathogenic (1 of 4 stars; one submission).

Conditions:
Hereditary breast ovarian cancer syndrome. Also called: Hereditary breast and ovarian cancer syndrome; Hereditary breast and/or ovarian cancer syndrome; Hereditary breast and ovarian cancer; Hereditary breast and ovarian cancer syndrome (HBOC); Breast and ovarian cancer; BRCA1- and BRCA2-Associated Hereditary Breast and Ovarian Cancer. Identifiers: Orphanet 145, MedGen C0677776, MeSH D061325, MONDO:0003582. Disease mechanism: loss of function.

Submission:

Labcorp Genetics (formerly Invitae), Labcorp
Classification: Pathogenic for Hereditary breast ovarian cancer syndrome. Last evaluated: 2024-12-15. Review status: criteria provided, single submitter. Criteria: Invitae Variant Classification Sherloc (09022015). Collection method: clinical testing. Allele origin: germline.
Comment: This sequence change creates a premature translational stop signal (p.Arg1204Glufs*6) in the BRCA1 gene. It is expected to result in an absent or disrupted protein product. Loss-of-function variants in BRCA1 are known to be pathogenic (PMID: 20104584). This variant is not present in population databases (gnomAD no frequency). This variant has not been reported in the literature in individuals affected with BRCA1-related conditions. For these reasons, this variant has been classified as Pathogenic.

Literature cited by the submitters: PubMed 20104584.

NM_007294.4(BRCA1):c.3610del (p.Arg1204fs)

Genes: BRCA1 (BRCA1 DNA repair associated; minus strand), LOC126862571 (BRD4-independent group 4 enhancer GRCh37_chr17:41243136-41244335; plus strand). Cytogenetic location: 17q21.31.
Variant type: Deletion.
Coding change: c.3610del on transcript NM_007294.4 (MANE Select); coding-DNA position 3610, one base deleted (A; older notation c.3610delA).
Protein change: p.Arg1204fs; shifts the reading frame from arginine 1204.
Molecular consequence: frameshift variant. On other transcripts: intron variant (135).
Genome position (GRCh38, 1-based): chr17:43,091,921, T deleted on the plus strand (A on the coding strand, the reverse complement: BRCA1 is on the minus strand); the first of 2 consecutive T bases (chr17:43,091,921-43,091,922); deleting either gives the same sequence. VCF-style (leftmost placement, unchanged base first): chr17-43091920-CT-C. GRCh37 (hg19) VCF-style: chr17-41243937-CT-C.
Other names: c.3610del, p.Arg1204fs (NM_001407618.1, NM_001407619.1, NM_001407620.1 and 30 more transcripts); c.3607del, p.Arg1203fs (NM_001407587.1, NM_001407590.1, NM_001407591.1 and 22 more transcripts); c.3397del, p.Arg1133fs (NM_001407571.1, NM_001407853.1, NM_001407894.1 and 9 more transcripts); c.788-889del (NM_001407978.1, NM_001407979.1, NM_001407977.1 and 17 more transcripts); c.644-889del (NM_001408462.1, NM_001408470.1, NM_001408464.1 and 3 more transcripts); c.710-889del (NM_001408414.1, NM_001408411.1, NM_001408415.1 and 2 more transcripts); c.578-889del (NM_001408514.1, NM_001408485.1, NM_001408483.1 and 9 more transcripts); c.662-889del (NM_001408447.1, NM_001408433.1, NM_001408446.1 and 6 more transcripts); and 41 more; short protein forms R1077fs, R1115fs, R1162fs, R336fs, R1093fs, R1133fs, R1203fs, R1136fs.
Identifiers: ClinVar variation 3727291 (VCV003727291.2).